The following is an entry in ClinVar:

ClinVar aggregate classification (germline): Uncertain significance (1 of 4 stars; one submission).

gnomAD v4.1: 2 of 1,613,976 alleles (0.00012%); highest among the groups gnomAD compares: African/African-American, 0.0013%; no homozygotes.

Submission:

GeneDx
Classification: Uncertain significance. Last evaluated: 2026-01-26. Review status: criteria provided, single submitter. Criteria: GeneDx Variant Classification Process June 2021. Collection method: clinical testing. Allele origin: germline.
Comment: Not observed at significant frequency in large population cohorts (gnomAD); In silico analysis suggests that this missense variant does not alter protein structure/function; Has not been previously published as pathogenic or benign to our knowledge

NM_001378454.1(ALMS1):c.3283A>G (p.Thr1095Ala)

Gene: ALMS1 (ALMS1 centrosome and basal body associated protein; plus strand). Cytogenetic location: 2p13.1.
Variant type: single nucleotide variant.
Coding change: c.3283A>G on transcript NM_001378454.1 (MANE Select); coding-DNA position 3283, A replaced by G.
Protein change: p.Thr1095Ala; replaces threonine 1095 with alanine.
Molecular consequence: missense variant.
Genome position (GRCh38, 1-based): chr2:73,449,810, A>G. VCF-style: chr2-73449810-A-G. GRCh37 (hg19) VCF-style: chr2-73676937-A-G.
Other names: c.3286A>G, p.Thr1096Ala (NM_015120.4); short protein forms T1095A, T1096A.
Identifiers: ClinVar variation 4975617 (VCV004975617.1).